The following is an entry in ClinVar:

NM_001031710.3(KLHL7):c.707C>T (p.Pro236Leu)

Gene: KLHL7 (kelch like family member 7; plus strand). Cytogenetic location: 7p15.3.
Variant type: single nucleotide variant.
Coding change: c.707C>T on transcript NM_001031710.3 (MANE Select); coding-DNA position 707, C replaced by T.
Protein change: p.Pro236Leu; replaces proline 236 with leucine.
Molecular consequence: missense variant. On other transcripts: non-coding transcript variant (1).
Genome position (GRCh38, 1-based): chr7:23,143,939, C>T. VCF-style: chr7-23143939-C-T. GRCh37 (hg19) VCF-style: chr7-23183558-C-T.
Other names: c.563C>T, p.Pro188Leu (NM_018846.5); short protein forms P188L, P236L.
Identifiers: ClinVar variation 5007200 (VCV005007200.2).

ClinVar aggregate classification (germline): Uncertain significance (1 of 4 stars; one submission).

Conditions:
PERCHING syndrome (PERCHING). Also called: Cold-induced sweating syndrome 3. Identifiers: Orphanet 157820, Orphanet 603684, MedGen C4310742, MONDO:0014890, OMIM 617055.

Submission:

Juno Genomics, Hangzhou Juno Genomics, Inc
Classification: Uncertain significance for PERCHING syndrome. Review status: criteria provided, single submitter. Criteria: ACMG Guidelines, 2015. Collection method: clinical testing. Allele origin: germline.
Comment: Missense variant in a gene that has a low rate of benign missense variation.;Multiple lines of computational evidence support a deleterious effect on the gene or gene product.;Absent from controls (or at extremely low frequency if recessive) in Genome Aggregation Database.